The following is an entry in ClinVar:

ClinVar aggregate classification (germline): Likely benign (1 of 4 stars; one submission).

gnomAD v4.1: 163 of 1,614,166 alleles (0.01%); highest among the groups gnomAD compares: East Asian, 0.34%; 2 homozygotes.

Submission:

CeGaT Center for Human Genetics Tuebingen
Classification: Likely benign. Last evaluated: 2026-04-01. Review status: criteria provided, single submitter. Criteria: CeGaT Center For Human Genetics Tuebingen Variant Classification Criteria Version 2. Collection method: clinical testing. Allele origin: germline. Affected: yes. Observed: 1 variant allele.
Comment: LRRC7: BP4, BP7, BS1

NM_001370785.2(LRRC7):c.2427C>G (p.Gly809=)

Genes: LRRC7 (leucine rich repeat containing 7; plus strand), LRRC7-AS1 (LRRC7 antisense RNA 1; minus strand). Cytogenetic location: 1p31.1.
Variant type: single nucleotide variant.
Coding change: c.2427C>G on transcript NM_001370785.2 (MANE Select); coding-DNA position 2427, C replaced by G.
Protein change: p.Gly809=; no amino-acid change (glycine 809 retained).
Molecular consequence: synonymous variant. On other transcripts: non-coding transcript variant (1).
Genome position (GRCh38, 1-based): chr1:70,038,251, C>G. VCF-style: chr1-70038251-C-G. GRCh37 (hg19) VCF-style: chr1-70503934-C-G.
Other names: c.2328C>G, p.Gly776= (NM_001330635.3, NM_001366841.1); c.2430C>G, p.Gly810= (NM_001350216.3); c.2427C>G, p.Gly809= (NM_001366838.3); c.2268C>G, p.Gly756= (NM_001366839.3).
Identifiers: ClinVar variation 4872916 (VCV004872916.2).